The following is an entry in ClinVar:

NM_212482.4(FN1):c.469C>G (p.Pro157Ala)

Gene: FN1 (fibronectin 1; minus strand). Cytogenetic location: 2q35.
Variant type: single nucleotide variant.
Coding change: c.469C>G on transcript NM_212482.4 (MANE Select); coding-DNA position 469, C replaced by G.
Protein change: p.Pro157Ala; replaces proline 157 with alanine.
Molecular consequence: missense variant.
Genome position (GRCh38, 1-based): chr2:215,431,911, G>C on the plus strand (C>G on the coding strand, the complement: FN1 is on the minus strand). VCF-style: chr2-215431911-G-C. GRCh37 (hg19) VCF-style: chr2-216296634-G-C.
Other names: c.469C>G, p.Pro157Ala (NM_001306129.2, NM_001306130.2, NM_001306131.2 and 14 more transcripts); short protein forms P157A.
Identifiers: ClinVar variation 2113559 (VCV002113559.4), dbSNP rs764602317, ClinGen allele CA2095548.

ClinVar aggregate classification (germline): Uncertain significance (1 of 4 stars; one submission).

Allele frequency attached by ClinVar (database versions not stated): gnomAD exomes 0.00001; ExAC 0.00002; TOPMed 0.00002.
gnomAD v4.1: 3 of 1,614,004 alleles (0.00019%); highest among the groups gnomAD compares: Admixed American, 0.005%; no homozygotes.

Submission:

Labcorp Genetics (formerly Invitae), Labcorp
Classification: Uncertain significance. Last evaluated: 2024-06-03. Review status: criteria provided, single submitter. Criteria: Invitae Variant Classification Sherloc (09022015). Collection method: clinical testing. Allele origin: germline.
Comment: This sequence change replaces proline, which is neutral and non-polar, with alanine, which is neutral and non-polar, at codon 157 of the FN1 protein (p.Pro157Ala). This variant is present in population databases (rs764602317, gnomAD 0.009%). This variant has not been reported in the literature in individuals affected with FN1-related conditions. ClinVar contains an entry for this variant (Variation ID: 2113559). Advanced modeling of protein sequence and biophysical properties (such as structural, functional, and spatial information, amino acid conservation, physicochemical variation, residue mobility, and thermodynamic stability) has been performed at Invitae for this missense variant, however the output from this modeling did not meet the statistical confidence thresholds required to predict the impact of this variant on FN1 protein function. In summary, the available evidence is currently insufficient to determine the role of this variant in disease. Therefore, it has been classified as a Variant of Uncertain Significance.